The following is an entry in ClinVar:

ClinVar aggregate classification (germline): Uncertain significance. Review status: criteria provided, single submitter (1 of 4 stars). 2 submissions from 2 submitters: Uncertain significance (1). 1 of the submissions does not count toward it. Last evaluated 2022-08-22.

Conditions:
Meckel-Gruber syndrome. Also called: Dysencephalia splachnocystica; DYSENCEPHALIA SPLANCHNOCYSTICA; GRUBER SYNDROME. Identifiers: Orphanet 564, MedGen C0265215, MONDO:0018921.
Nephronophthisis. Also called: Juvenile Nephronophthisis. Identifiers: Orphanet 655, MedGen C0687120, MONDO:0019005, HP:0000090.
Joubert syndrome. Also called: Familial aplasia of the vermis; CEREBELLOPARENCHYMAL DISORDER IV; JOUBERT-BOLTSHAUSER SYNDROME. Identifiers: Orphanet 475, MedGen C5979921, MONDO:0018772.
Leber congenital amaurosis (LCA). Also called: Leber's amaurosis. Identifiers: Orphanet 65, MedGen C0339527, MeSH D057130, MONDO:0018998.

Allele frequency attached by ClinVar (database versions not stated): gnomAD exomes below 0.00001; ExAC 0.00004; gnomAD 0.00004; TOPMed 0.00006; ESP Exome Variant Server 0.00009.
gnomAD v4.1: 9 of 1,397,418 alleles (0.00064%); highest among the groups gnomAD compares: African/African-American, 0.0086%; no homozygotes.

Submissions (2):

Labcorp Genetics (formerly Invitae), Labcorp
Classification: Uncertain significance for Joubert syndrome; Meckel-Gruber syndrome; Nephronophthisis. Last evaluated: 2022-08-22. Review status: criteria provided, single submitter. Criteria: Invitae Variant Classification Sherloc (09022015). Collection method: clinical testing. Allele origin: germline.
Comment: This sequence change falls in intron 17 of the CEP290 gene. It does not directly change the encoded amino acid sequence of the CEP290 protein. It affects a nucleotide within the consensus splice site. This variant is present in population databases (rs376688469, gnomAD 0.01%). This variant has not been reported in the literature in individuals affected with CEP290-related conditions. ClinVar contains an entry for this variant (Variation ID: 991675). Variants that disrupt the consensus splice site are a relatively common cause of aberrant splicing (PMID: 17576681, 9536098). Algorithms developed to predict the effect of sequence changes on RNA splicing suggest that this variant is not likely to affect RNA splicing. In summary, the available evidence is currently insufficient to determine the role of this variant in disease. Therefore, it has been classified as a Variant of Uncertain Significance.

Natera, Inc.
Classification: Uncertain significance for Leber congenital amaurosis. Last evaluated: 2020-04-17. Review status: no assertion criteria provided. Collection method: clinical testing. Allele origin: germline. Not counted in ClinVar's aggregate classification.

Literature cited by the submitters: PubMed 17576681 (cited by Labcorp Genetics (formerly Invitae), Labcorp); PubMed 9536098 (cited by Labcorp Genetics (formerly Invitae), Labcorp).

NM_025114.4(CEP290):c.1712-3T>C

Gene: CEP290 (centrosomal protein 290; minus strand). Cytogenetic location: 12q21.32.
Variant type: single nucleotide variant.
Coding change: c.1712-3T>C on transcript NM_025114.4 (MANE Select); 3 bases into the intron before coding-DNA position 1712, T replaced by C.
Molecular consequence: intron variant.
Genome position (GRCh38, 1-based): chr12:88,117,148, A>G on the plus strand (T>C on the coding strand, the complement: CEP290 is on the minus strand). VCF-style: chr12-88117148-A-G. GRCh37 (hg19) VCF-style: chr12-88510925-A-G.
Identifiers: ClinVar variation 991675 (VCV000991675.4), dbSNP rs376688469, ClinGen allele CA6712484.
Genomic context (GRCh38, chr12:88,117,148, plus strand): 5'-CTTATTCTATCTCCTTGAGAAATGTTTTCAGTTAGGTTCAGGTCCTCAGTGGTTAATCCT[A>G]TATATAAGAGAATTAACAAACTAAAAACATTAAAATAACCCTCCTACTATTCCAACACTT-3'